The following is an entry in ClinVar:

NM_002133.3(HMOX1):c.499T>C (p.Phe167Leu)

Gene: HMOX1 (heme oxygenase 1; plus strand). Cytogenetic location: 22q12.3.
Variant type: single nucleotide variant.
Coding change: c.499T>C on transcript NM_002133.3 (MANE Select); coding-DNA position 499, T replaced by C.
Protein change: p.Phe167Leu; replaces phenylalanine 167 with leucine.
Molecular consequence: missense variant.
Genome position (GRCh38, 1-based): chr22:35,387,039, T>C. VCF-style: chr22-35387039-T-C. GRCh37 (hg19) VCF-style: chr22-35783032-T-C.
Other names: short protein forms F167L.
Identifiers: ClinVar variation 1954320 (VCV001954320.3), dbSNP rs764824843, ClinGen allele CA10204737.

ClinVar aggregate classification (germline): Uncertain significance (1 of 4 stars; one submission).

Allele frequency attached by ClinVar (database versions not stated): ExAC 0.00001; gnomAD 0.00001; TOPMed 0.00002; gnomAD exomes 0.00006.
gnomAD v4.1: 85 of 1,613,574 alleles (0.0053%); highest among the groups gnomAD compares: Non-Finnish European, 0.0069%; no homozygotes.

Submission:

Labcorp Genetics (formerly Invitae), Labcorp
Classification: Uncertain significance. Last evaluated: 2024-12-16. Review status: criteria provided, single submitter. Criteria: Invitae Variant Classification Sherloc (09022015). Collection method: clinical testing. Allele origin: germline.
Comment: This sequence change replaces phenylalanine, which is neutral and non-polar, with leucine, which is neutral and non-polar, at codon 167 of the HMOX1 protein (p.Phe167Leu). This variant is present in population databases (rs764824843, gnomAD 0.005%). This variant has not been reported in the literature in individuals affected with HMOX1-related conditions. ClinVar contains an entry for this variant (Variation ID: 1954320). An algorithm developed to predict the effect of missense changes on protein structure and function (PolyPhen-2) suggests that this variant is likely to be disruptive. In summary, the available evidence is currently insufficient to determine the role of this variant in disease. Therefore, it has been classified as a Variant of Uncertain Significance.